The following is an entry in ClinVar:

NM_002471.4(MYH6):c.2612G>A (p.Arg871His)

Gene: MYH6 (myosin heavy chain 6; minus strand). Cytogenetic location: 14q11.2.
Variant type: single nucleotide variant.
Coding change: c.2612G>A on transcript NM_002471.4 (MANE Select); coding-DNA position 2612, G replaced by A.
Protein change: p.Arg871His; replaces arginine 871 with histidine.
Molecular consequence: missense variant.
Genome position (GRCh38, 1-based): chr14:23,394,141, C>T on the plus strand (G>A on the coding strand, the complement: MYH6 is on the minus strand). VCF-style: chr14-23394141-C-T. GRCh37 (hg19) VCF-style: chr14-23863350-C-T.
Other names: short protein forms R871H.
Identifiers: ClinVar variation 222715 (VCV000222715.19), dbSNP rs869025473, ClinGen allele CA351986.

ClinVar aggregate classification (germline): Conflicting classifications of pathogenicity. Review status: criteria provided, conflicting classifications (1 of 4 stars). 6 submissions from 6 submitters: Uncertain significance (4); Likely benign (1). 1 of the submissions does not count toward it. Last evaluated 2025-09-22.

Conditions:
Atrial septal defect 3 (ASD3). Identifiers: Orphanet 1478, MedGen C3279790, MONDO:0013567, OMIM 614089.
Hypertrophic cardiomyopathy 1 (CMH1). Also called: MYH7-Related Familial Hypertrophic Cardiomyopathy; Familial hypertrophic cardiomyopathy 1. Identifiers: MedGen C3495498, MONDO:0008647, OMIM 192600.
Dilated cardiomyopathy 1EE (CMD1EE). Identifiers: Orphanet 154, MedGen C2750466, MONDO:0013198, OMIM 613252.
Hypertrophic cardiomyopathy 14. Identifiers: MedGen C2750467, MONDO:0013197, OMIM 613251.
Sick sinus syndrome 3, susceptibility to (SSS3). Identifiers: Orphanet 166282, MedGen C3279791, MONDO:0013568, OMIM 614090.
Cardiovascular phenotype. Identifiers: MedGen CN230736.
Cardiomyopathy (CMYO). Also called: Cardiomyopathies. Identifiers: Orphanet 167848, MedGen C0878544, MONDO:0004994, HP:0001638. Inheritance: Various modes of inheritance.
MYH6-related disorder. Also called: MYH6-Related Disorders; MYH6-related condition.

Allele frequency attached by ClinVar (database versions not stated): gnomAD exomes 0.00002 and 0.00003; gnomAD 0.00003 and 0.00004; TOPMed 0.00003.
gnomAD v4.1: 47 of 1,614,078 alleles (0.0029%); highest among the groups gnomAD compares: Middle Eastern, 0.016%; no homozygotes.

Submissions (6):

Labcorp Genetics (formerly Invitae), Labcorp
Classification: Uncertain significance for Hypertrophic cardiomyopathy 14. Last evaluated: 2025-09-22. Review status: criteria provided, single submitter. Criteria: Invitae Variant Classification Sherloc (09022015). Collection method: clinical testing. Allele origin: germline.
Comment: This sequence change replaces arginine, which is basic and polar, with histidine, which is basic and polar, at codon 871 of the MYH6 protein (p.Arg871His). This variant is present in population databases (no rsID available, gnomAD 0.005%). This missense change has been observed in individual(s) with unexplained cardiac arrest (PMID: 28600387). ClinVar contains an entry for this variant (Variation ID: 222715). Invitae Evidence Modeling of protein sequence and biophysical properties (such as structural, functional, and spatial information, amino acid conservation, physicochemical variation, residue mobility, and thermodynamic stability) indicates that this missense variant is not expected to disrupt MYH6 protein function with a negative predictive value of 80%. In summary, the available evidence is currently insufficient to determine the role of this variant in disease. Therefore, it has been classified as a Variant of Uncertain Significance.

Ambry Genetics
Classification: Uncertain significance for Cardiovascular phenotype. Last evaluated: 2025-06-23. Review status: criteria provided, single submitter. Criteria: Ambry Variant Classification Scheme 2023. Collection method: clinical testing. Allele origin: germline.
Comment: The p.R871H variant (also known as c.2612G>A), located in coding exon 19 of the MYH6 gene, results from a G to A substitution at nucleotide position 2612. The arginine at codon 871 is replaced by histidine, an amino acid with highly similar properties. This alteration was reported in a sudden cardiac arrest cohort; however, clinical details were limited (Mellor G et al. Circ Cardiovasc Genet, 2017 Jun;10:[Epub ahead of print]). This amino acid position is well conserved in available vertebrate species. In addition, the in silico prediction for this alteration is inconclusive. Since supporting evidence is limited at this time, the clinical significance of this alteration remains unclear.

Blueprint Genetics
Classification: Likely benign. Last evaluated: 2024-04-17. Review status: criteria provided, single submitter. Criteria: ACMG Guidelines, 2015. Collection method: clinical testing. Allele origin: germline.

Fulgent Genetics
Classification: Uncertain significance for Hypertrophic cardiomyopathy 1; Hypertrophic cardiomyopathy 14; Dilated cardiomyopathy 1EE; Atrial septal defect 3; Sick sinus syndrome 3, susceptibility to. Last evaluated: 2021-07-22. Review status: criteria provided, single submitter. Criteria: ACMG Guidelines, 2015. Collection method: clinical testing. Allele origin: unknown.

CHEO Genetics Diagnostic Laboratory, Children's Hospital of Eastern Ontario
Classification: Uncertain significance for Cardiomyopathy. Last evaluated: 2016-04-20. Review status: criteria provided, single submitter. Criteria: ACMG Guidelines, 2015. Collection method: clinical testing. Allele origin: germline. Study: Canadian Open Genetics Repository.

PreventionGenetics, part of Exact Sciences
Classification: Uncertain significance for MYH6-related condition. Last evaluated: 2024-05-17. Review status: no assertion criteria provided. Collection method: clinical testing. Allele origin: germline. Not counted in ClinVar's aggregate classification.
Comment: The MYH6 c.2612G>A variant is predicted to result in the amino acid substitution p.Arg871His. This variant was reported as a variant of uncertain significance in an individual with cardiac arrest (Table S3, Mellor et al. 2017. PubMed ID: 28600387). This variant is reported in 0.0050% of alleles in individuals of East Asian descent in gnomAD. At this time, the clinical significance of this variant is uncertain due to the absence of conclusive functional and genetic evidence.

Literature cited by the submitters: PubMed 28600387 (cited by Labcorp Genetics (formerly Invitae), Labcorp and Ambry Genetics).